The following is an entry in ClinVar:

ClinVar aggregate classification (germline): Pathogenic (1 of 4 stars; one submission).

Conditions:
Hereditary cancer-predisposing syndrome. Also called: Hereditary Cancer Syndrome; Hereditary neoplastic syndrome; Tumor predisposition; Neoplastic Syndromes, Hereditary. Identifiers: Orphanet 140162, MedGen C0027672, MeSH D009386, MONDO:0015356.

Submission:

Ambry Genetics
Classification: Pathogenic for Hereditary cancer-predisposing syndrome. Last evaluated: 2023-12-20. Review status: criteria provided, single submitter. Criteria: Ambry Variant Classification Scheme 2023. Collection method: clinical testing. Allele origin: germline.
Comment: The c.2342_2343delCCinsT pathogenic mutation, located in coding exon 15 of the APC gene, results from the deletion of two nucleotides and insertion of one nucleotide causing a translational frameshift with a predicted alternate stop codon (p.P781Lfs*39). This alteration occurs at the 3' terminus of theAPC gene, is not expected to trigger nonsense-mediated mRNA decay, and impacts the last 73% of the protein. However, premature stop codons are typically deleterious in nature and a significant portion of the protein is affected (Ambry internal data). This variant is considered to be rare based on population cohorts in the Genome Aggregation Database (gnomAD). Based on the supporting evidence, this alteration is interpreted as a disease-causing mutation.

NM_000038.6(APC):c.2342_2343delinsT (p.Pro781fs)

Gene: APC (APC regulator of Wnt signaling pathway; plus strand). Cytogenetic location: 5q22.2.
Variant type: Indel.
Coding change: c.2342_2343delinsT on transcript NM_000038.6 (MANE Select); coding-DNA positions 2342 to 2343, CC replaced by T.
Protein change: p.Pro781fs; shifts the reading frame from proline 781.
Molecular consequence: frameshift variant.
Genome position (GRCh38, 1-based): chr5:112,837,936-112,837,937, CC replaced by T. VCF-style: chr5-112837936-CC-T. GRCh37 (hg19) VCF-style: chr5-112173633-CC-T.
Other names: c.2396_2397delCCinsT, p.Pro799Leufs (NM_001407447.1, NM_001407448.1, NM_001407449.1); c.2342_2343delCCinsT, p.Pro781Leufs (NM_001407450.1); c.2165_2166delCCinsT, p.Pro722Leufs (NM_001407453.1); c.2093_2094delCCinsT, p.Pro698Leufs (NM_001407454.1, NM_001407457.1, NM_001407455.1 and 1 more transcripts); c.2321_2322delCCinsT, p.Pro774Leufs (NM_001407451.1); c.2312_2313delCCinsT, p.Pro771Leufs (NM_001407452.1); c.2342_2343delinsT, p.Pro781fs (NM_001127510.3, NM_001354895.2); c.2288_2289delinsT, p.Pro763fs (NM_001127511.3); and 16 more; short protein forms P690fs, P722fs, P740fs, P753fs, P621fs, P655fs, P756fs, P781fs.
Identifiers: ClinVar variation 1789879 (VCV001789879.2), dbSNP rs2533413700, ClinGen allele CA2580072555.
Genomic context (GRCh38, chr5:112,837,936, plus strand): 5'-AAGCAGAATTAGATGCTCAGCACTTATCAGAAACTTTTGACAATATAGACAATTTAAGTC[CC>T]AAGGCATCTCATCGTAGTAAGCAGAGACACAAGCAAAGTCTCTATGGTGATTATGTTTTT-3'